The following is an entry in ClinVar:

ClinVar aggregate classification (germline): Likely benign. Review status: criteria provided, multiple submitters, no conflicts (2 of 4 stars). 3 submissions from 3 submitters: Likely benign (3). Last evaluated 2025-10-08.

Conditions:
CFAP418-related disorder. Also called: CFAP418-related condition.

Allele frequency attached by ClinVar (database versions not stated): ExAC 0.00001; gnomAD exomes 0.00001; TOPMed 0.00003.
gnomAD v4.1: 4 of 1,562,832 alleles (0.00026%); highest among the groups gnomAD compares: Admixed American, 0.0039%; no homozygotes.

Submissions (3):

Labcorp Genetics (formerly Invitae), Labcorp
Classification: Likely benign. Last evaluated: 2025-10-08. Review status: criteria provided, single submitter. Criteria: Invitae Variant Classification Sherloc (09022015). Collection method: clinical testing. Allele origin: germline.

PreventionGenetics, part of Exact Sciences
Classification: Likely benign for CFAP418-related condition. Last evaluated: 2024-11-01. Review status: criteria provided, single submitter. Criteria: ACMG Guidelines, 2015. Collection method: clinical testing. Allele origin: germline.
Comment: This variant is classified as likely benign based on ACMG/AMP sequence variant interpretation guidelines (Richards et al. 2015 PMID: 25741868, with internal and published modifications).

Blueprint Genetics
Classification: Likely benign. Last evaluated: 2022-11-02. Review status: criteria provided, single submitter. Criteria: ACMG Guidelines, 2015. Collection method: clinical testing. Allele origin: germline.

NM_177965.4(CFAP418):c.244-10T>C

Gene: CFAP418 (cilia and flagella associated protein 418; minus strand). Cytogenetic location: 8q22.1.
Variant type: single nucleotide variant.
Coding change: c.244-10T>C on transcript NM_177965.4 (MANE Select); 10 bases into the intron before coding-DNA position 244, T replaced by C.
Molecular consequence: intron variant.
Genome position (GRCh38, 1-based): chr8:95,260,542, A>G on the plus strand (T>C on the coding strand, the complement: CFAP418 is on the minus strand). VCF-style: chr8-95260542-A-G. GRCh37 (hg19) VCF-style: chr8-96272770-A-G.
Other names: c.244-10T>C (NM_177965.3, NM_001363260.1).
Identifiers: ClinVar variation 2722267 (VCV002722267.5), dbSNP rs754403114, ClinGen allele CA4815201.
Genomic context (GRCh38, chr8:95,260,542, plus strand): 5'-TTCAATGGAAGCTCTGACAGATGTGTTACCTGAAGATTTAGATTTTAATTTCTGTTAAAA[A>G]AGCAAAACAATAAAAGGCCATGAGTAACTTAGAAAACTGTAACATGAAAACTAATATTCC-3'